The following is an entry in ClinVar:

NM_001371986.1(UNC80):c.9903A>C (p.Leu3301=)

Gene: UNC80 (unc-80 subunit of NALCN channel complex; plus strand). Cytogenetic location: 2q34.
Variant type: single nucleotide variant.
Coding change: c.9903A>C on transcript NM_001371986.1 (MANE Select); coding-DNA position 9903, A replaced by C.
Protein change: p.Leu3301=; no amino-acid change (leucine 3301 retained).
Molecular consequence: synonymous variant.
Genome position (GRCh38, 1-based): chr2:209,995,523, A>C. VCF-style: chr2-209995523-A-C. GRCh37 (hg19) VCF-style: chr2-210860247-A-C.
Other names: c.9705A>C, p.Leu3235= (NM_032504.2); c.9633A>C, p.Leu3211= (NM_182587.4).
Identifiers: ClinVar variation 1642121 (VCV001642121.21), dbSNP rs963283770, ClinGen allele CA431121391.

ClinVar aggregate classification (germline): Likely benign. Review status: criteria provided, multiple submitters, no conflicts (2 of 4 stars). 2 submissions from 2 submitters: Likely benign (2). Last evaluated 2025-02-01.

Allele frequency attached by ClinVar (database versions not stated): gnomAD 0.00001.
gnomAD v4.1: 9 of 1,551,820 alleles (0.00058%); highest among the groups gnomAD compares: Non-Finnish European, 0.00061%; no homozygotes.

Submissions (2):

CeGaT Center for Human Genetics Tuebingen
Classification: Likely benign. Last evaluated: 2025-02-01. Review status: criteria provided, single submitter. Criteria: CeGaT Center For Human Genetics Tuebingen Variant Classification Criteria Version 2. Collection method: clinical testing. Allele origin: germline. Affected: yes. Observed: 1 variant allele.
Comment: UNC80: BP4, BP7

Labcorp Genetics (formerly Invitae), Labcorp
Classification: Likely benign. Last evaluated: 2023-11-27. Review status: criteria provided, single submitter. Criteria: Invitae Variant Classification Sherloc (09022015). Collection method: clinical testing. Allele origin: germline.